The following continues an entry in ClinVar:

NM_007294.4(BRCA1):c.5136G>A (p.Trp1712Ter)

Gene: BRCA1. ClinVar aggregate classification (germline): Pathogenic. Pathogenic (1).

Submissions 10 to 17 of 17:

Color Diagnostics, LLC DBA Color Health
Classification: Pathogenic for Hereditary cancer-predisposing syndrome. Last evaluated: 2021-04-12. Review status: criteria provided, single submitter. Criteria: ACMG Guidelines, 2015. Collection method: clinical testing. Allele origin: germline. Not counted in ClinVar's aggregate classification.
Comment: This variant changes 1 nucleotide in exon 17 of the BRCA1 gene, creating a premature translation stop signal. This variant is expected to result in an absent or non-functional protein product. This variant has been observed in individuals affected with breast and/or ovarian cancer (PMID: 12920083, 16683254, 27836010, 29021639). This variant has been identified in 2/251292 chromosomes in the general population by the Genome Aggregation Database (gnomAD). Loss of BRCA1 function is a known mechanism of disease. Based on the available evidence, this variant is classified as Pathogenic.

Baylor Genetics
Classification: Pathogenic for Familial cancer of breast. Last evaluated: 2017-02-23. Review status: criteria provided, single submitter. Criteria: ACMG Guidelines, 2015. Collection method: clinical testing. Allele origin: germline. Inheritance: Autosomal dominant inheritance. Affected: yes. Observed: 1 variant allele. Not counted in ClinVar's aggregate classification.

Consortium of Investigators of Modifiers of BRCA1/2 (CIMBA), c/o University of Cambridge
Classification: Pathogenic for Breast-ovarian cancer, familial, susceptibility to, 1. Last evaluated: 2015-10-02. Review status: criteria provided, single submitter. Criteria: CIMBA Mutation Classification guidelines May 2016. Collection method: clinical testing. Allele origin: germline. Not counted in ClinVar's aggregate classification.

BRCAlab, Lund University
Classification: Pathogenic for Breast-ovarian cancer, familial, susceptibility to, 1. Last evaluated: 2020-03-02. Review status: no assertion criteria provided. Collection method: clinical testing. Allele origin: germline. Affected: yes. Not counted in ClinVar's aggregate classification.

Research Molecular Genetics Laboratory, Women's College Hospital, University of Toronto
Classification: Pathogenic for Hereditary breast ovarian cancer syndrome. Last evaluated: 2014-01-31. Review status: no assertion criteria provided. Collection method: research. Allele origin: germline. Affected: yes. Study: The Canadian Open Genetics Repository (COGR). Not counted in ClinVar's aggregate classification.

Sharing Clinical Reports Project (SCRP)
Classification: Pathogenic for Breast-ovarian cancer, familial 1. Last evaluated: 2010-07-12. Review status: no assertion criteria provided. Collection method: clinical testing. Allele origin: germline. Not counted in ClinVar's aggregate classification.

Breast Cancer Information Core (BIC) (BRCA1)
Classification: Pathogenic for Breast-ovarian cancer, familial 1. Last evaluated: 2002-05-29. Review status: no assertion criteria provided. Collection method: clinical testing. Allele origin: germline. Affected: yes. Observed: 5 variant alleles. Not counted in ClinVar's aggregate classification.

Brotman Baty Institute, University of Washington
No classification provided (evidence only). Condition: Breast-ovarian cancer, familial 1. Review status: no classification provided. Collection method: in vitro. Allele origin: not applicable. Functional consequence: functionally_abnormal. Not counted in ClinVar's aggregate classification.
ClinVar note: "not provided" was previously submitted as the classification for the variant. However, the classification appeared to be based only on an observation of functional data so it was converted to no classification on 2025-07-30.

Literature cited by the submitters: PubMed 20104584 (cited by Labcorp Genetics (formerly Invitae), Labcorp); PubMed 12920083 (cited by 3 submitters); PubMed 16683254 (cited by Labcorp Genetics (formerly Invitae), Labcorp); PubMed 27836010 (cited by Labcorp Genetics (formerly Invitae), Labcorp); PubMed 29021639 (cited by Women's Health and Genetics/Laboratory Corporation of America, LabCorp); PubMed 29446198 (cited by Women's Health and Genetics/Laboratory Corporation of America, LabCorp).